The following is an entry in ClinVar:

NM_015702.3(MMADHC):c.702dup (p.Gly235fs)

Gene: MMADHC (metabolism of cobalamin associated D; minus strand). Cytogenetic location: 2q23.2.
Variant type: Duplication.
Coding change: c.702dup on transcript NM_015702.3 (MANE Select); coding-DNA position 702, one base duplicated (T; older notation c.702dupT).
Protein change: p.Gly235fs; shifts the reading frame from glycine 235.
Molecular consequence: frameshift variant.
Genome position (GRCh38, 1-based): chr2:149,570,163, A duplicated on the plus strand (T on the coding strand, the reverse complement: MMADHC is on the minus strand); the first of 6 consecutive A bases (chr2:149,570,163-149,570,168); duplicating any one gives the same sequence. VCF-style (leftmost placement, unchanged base first): chr2-149570162-C-CA. GRCh37 (hg19) VCF-style: chr2-150426676-C-CA.
Other names: c.702dupT (NM_015702.3); short protein forms G235fs.
Identifiers: ClinVar variation 982056 (VCV000982056.2), dbSNP rs1682617973, ClinGen allele CA1139657224.
Genomic context (GRCh38, chr2:149,570,162, plus strand): 5'-AGAATCCTAAATGTCGGTAGCGTTCATCAGTTTCAAAAAGAGTGTTGTTTGTATATGGTC[C>CA]AAAAAACTGAGGAAATAAAAACGAAATATTCTCATTAGTAAGAAAGACATTTTAGTAATA-3'

ClinVar aggregate classification (germline): Conflicting classifications of pathogenicity. Review status: criteria provided, conflicting classifications (1 of 4 stars). 2 submissions from 2 submitters: Likely pathogenic (1); Uncertain significance (1). Last evaluated 2023-05-20.

Conditions:
Methylmalonic aciduria and homocystinuria type cblD (MAHCD). Also called: METHYLMALONIC ACIDEMIA, cblH TYPE; Methylmalonic aciduria with homocystinuria cblD type. Identifiers: Orphanet 622, Orphanet 79283, MedGen C1848552, MONDO:0010185, OMIM 277410.

Submissions (2):

Neuberg Centre For Genomic Medicine, NCGM
Classification: Uncertain significance for Methylmalonic aciduria and homocystinuria type cblD. Last evaluated: 2023-05-20. Review status: criteria provided, single submitter. Criteria: ACMG Guidelines, 2015. Collection method: clinical testing. Allele origin: germline. Inheritance: Autosomal recessive inheritance. Affected: yes.
Comment: The observed frameshift variant c.702dup(p.Gly235TrpfsTer10) in MMADHC gene has not been reported previously as a pathogenic variant nor as a benign variant, to our knowledge. The c.702dup variant is absent in gnomAD Exomes. This variant has been reported to the ClinVar database as Likely Pathogenic. However, no details are available for independent assessment. This variant causes a frameshift starting with codon Glycine 235, changes this amino acid to Tryptophan residue, and creates a premature Stop codon at position 10 of the new reading frame, denoted p.Gly235TrpfsTer10. As this variant is present in the last exon, functional studies will be required to prove protein truncation. For these reasons, this variant has been classified as Uncertain Significance.

Pathology and Clinical Laboratory Medicine, King Fahad Medical City
Classification: Likely pathogenic for Methylmalonic aciduria and homocystinuria type cblD. Review status: criteria provided, single submitter. Criteria: ACMG Guidelines, 2015. Collection method: clinical testing. Allele origin: germline. Affected: yes. Observed: 3 variant alleles.